The following is an entry in ClinVar:

NM_000548.5(TSC2):c.5160+37C>T

Gene: TSC2 (TSC complex subunit 2; plus strand). Cytogenetic location: 16p13.3.
Variant type: single nucleotide variant.
Coding change: c.5160+37C>T on transcript NM_000548.5 (MANE Select); 37 bases into the intron after coding-DNA position 5160, C replaced by T.
Molecular consequence: intron variant.
Genome position (GRCh38, 1-based): chr16:2,088,176, C>T. VCF-style: chr16-2088176-C-T. GRCh37 (hg19) VCF-style: chr16-2138177-C-T.
Other names: c.5091+37C>T (NM_001114382.3); c.5031+37C>T (NM_021055.3, NM_001370405.1); c.4962+37C>T (NM_001363528.2); c.5028+37C>T (NM_001370404.1); c.4959+37C>T (NM_001077183.3); c.4851+37C>T (NM_001318827.2); c.4428+37C>T (NM_001318831.2); c.4815+37C>T (NM_001318829.2); and 1 more.
Identifiers: ClinVar variation 49937 (VCV000049937.15), dbSNP rs45517400, ClinGen allele CA021944.
Genomic context (GRCh38, chr16:2,088,176, plus strand): 5'-CGCCAGATGGCCCTGCACGCAAATGTGAGTGGGGGTGGGTCCAGGCGTGAGCTGGTGGGA[C>T]AGGCCCAGGTGCCACCTGATAGTGAGCTCACCCCCTGCCTACGTCCCCAGATGGCCTCAC-3'

ClinVar aggregate classification (germline): Benign. Review status: criteria provided, single submitter (1 of 4 stars). 2 submissions from 2 submitters: Benign (1). 1 of the submissions does not count toward it. Last evaluated 2026-06-01.

Conditions:
Lymphangiomyomatosis (LAM). Also called: Lymphangioleiomyomatosis; Lymphangioleiomyomatosis, somatic. Identifiers: Orphanet 538, MedGen C0751674, MONDO:0011705, OMIM 606690.
Tuberous sclerosis syndrome (TSC). Also called: Tuberous Sclerosis Complex; Tuberous sclerosis. Identifiers: Orphanet 805, MedGen C0041341, MONDO:0001734.

Allele frequency attached by ClinVar (database versions not stated): gnomAD 0.00032; TOPMed 0.00045; ESP Exome Variant Server 0.00062; 1000 Genomes Project 0.00080; 1000 Genomes Project 30x 0.00109.
gnomAD v4.1: 938 of 1,612,994 alleles (0.058%); highest among the groups gnomAD compares: Non-Finnish European, 0.072%; no homozygotes.

Submissions (2):

CeGaT Center for Human Genetics Tuebingen
Classification: Benign. Last evaluated: 2026-06-01. Review status: criteria provided, single submitter. Criteria: CeGaT Center For Human Genetics Tuebingen Variant Classification Criteria Version 2. Collection method: clinical testing. Allele origin: germline. Affected: yes. Observed: 5 variant alleles.
Comment: TSC2: BS1, BS2

Tuberous sclerosis database (TSC2)
No classification provided. Condition: TSC; LAM. Review status: no classification provided. Criteria: Tuberous Sclerosis Database Assertion Criteria 2015. Collection method: curation. Allele origin: germline. Affected: yes. Not counted in ClinVar's aggregate classification.